The following is an entry in ClinVar:

ClinVar aggregate classification (germline): Likely benign (1 of 4 stars; one submission).

Allele frequency attached by ClinVar (database versions not stated): ExAC 0.00002; 1000 Genomes Project 0.05331.

Submission:

CeGaT Center for Human Genetics Tuebingen
Classification: Likely benign. Last evaluated: 2023-03-01. Review status: criteria provided, single submitter. Criteria: CeGaT Center For Human Genetics Tuebingen Variant Classification Criteria Version 2. Collection method: clinical testing. Allele origin: germline. Affected: yes. Observed: 1 variant allele.
Comment: CNTNAP3B: BS2

NM_001201380.3(CNTNAP3B):c.97T>G (p.Ser33Ala)

Gene: CNTNAP3B (contactin associated protein family member 3B; minus strand). Cytogenetic location: 9p11.2.
Variant type: single nucleotide variant.
Coding change: c.97T>G on transcript NM_001201380.3 (MANE Select); coding-DNA position 97, T replaced by G.
Protein change: p.Ser33Ala; replaces serine 33 with alanine.
Molecular consequence: missense variant.
Genome position (GRCh38, 1-based): chr9:42,104,728, A>C on the plus strand (T>G on the coding strand, the complement: CNTNAP3B is on the minus strand). VCF-style: chr9-42104728-A-C. GRCh37 (hg19) VCF-style: chr9-43709661-T-G.
Other names: short protein forms S33A.
Identifiers: ClinVar variation 2659219 (VCV002659219.24), dbSNP rs62558882, ClinGen allele CA5068108.